The following is an entry in ClinVar:

NM_001365088.1(SLC12A6):c.2934+12G>C

Gene: SLC12A6 (solute carrier family 12 member 6; minus strand). Cytogenetic location: 15q14.
Variant type: single nucleotide variant.
Coding change: c.2934+12G>C on transcript NM_001365088.1 (MANE Select); 12 bases into the intron after coding-DNA position 2934, G replaced by C.
Molecular consequence: intron variant.
Genome position (GRCh38, 1-based): chr15:34,237,407, C>G on the plus strand (G>C on the coding strand, the complement: SLC12A6 is on the minus strand). VCF-style: chr15-34237407-C-G. GRCh37 (hg19) VCF-style: chr15-34529608-C-G.
Other names: c.2757+12G>C (NM_001042495.2, NM_001042494.2); c.2907+12G>C (NM_001042496.2); c.2889+12G>C (NM_001042497.2); c.2934+12G>C (NM_133647.2); c.2781+12G>C (NM_005135.2).
Identifiers: ClinVar variation 159895 (VCV000159895.27), dbSNP rs11854257, ClinGen allele CA173444.
Genomic context (GRCh38, chr15:34,237,407, plus strand): 5'-GAAAAGATTCAAGGAAGACAGGGAGAGGAATGGGGGAATGAACCTCTTGTATCTCAAACT[C>G]AGCTTTCTCACCATCTCCACCACTTCTACCTCCGCCTCAATGCGTAAGTGATATAGGAAG-3'

ClinVar aggregate classification (germline): Benign. Review status: criteria provided, multiple submitters, no conflicts (2 of 4 stars). 7 submissions from 7 submitters: Benign (7). Last evaluated 2026-02-02.

Conditions:
Agenesis of the corpus callosum with peripheral neuropathy (ACCPN). Also called: Hereditary Motor and Sensory Neuropathy with Agenesis of the Corpus Callosum; POLYNEUROPATHY, SENSORIMOTOR, WITH OR WITHOUT AGENESIS OF THE CORPUS CALLOSUM; HMSN/ACC; CHARLEVOIX DISEASE. Identifiers: Orphanet 1496, MedGen C0795950, MONDO:0000902, OMIM 218000. Disease mechanism: loss of function.

Allele frequency attached by ClinVar (database versions not stated): gnomAD exomes 0.00515; ExAC 0.00645; gnomAD 0.01937 and 0.02091; TOPMed 0.02144; ESP Exome Variant Server 0.02293; 1000 Genomes Project 0.02376; 1000 Genomes Project 30x 0.02592.
gnomAD v4.1: 5,647 of 1,609,038 alleles (0.35%); highest among the groups gnomAD compares: African/African-American, 6.6%; 189 homozygotes.

Submissions (7):

Labcorp Genetics (formerly Invitae), Labcorp
Classification: Benign. Last evaluated: 2026-02-02. Review status: criteria provided, single submitter. Criteria: Invitae Variant Classification Sherloc (09022015). Collection method: clinical testing. Allele origin: germline.

ARUP Laboratories, Molecular Genetics and Genomics, ARUP Laboratories
Classification: Benign. Last evaluated: 2024-08-02. Review status: criteria provided, single submitter. Criteria: ARUP Molecular Germline Variant Investigation Process 2024. Collection method: clinical testing. Allele origin: germline.

Genome-Nilou Lab
Classification: Benign for Agenesis of the corpus callosum with peripheral neuropathy. Last evaluated: 2021-07-15. Review status: criteria provided, single submitter. Criteria: ACMG Guidelines, 2015. Collection method: clinical testing. Allele origin: germline. Affected: no.

Illumina Laboratory Services, Illumina
Classification: Benign for Agenesis of the corpus callosum with peripheral neuropathy. Last evaluated: 2018-01-13. Review status: criteria provided, single submitter. Criteria: ICSL Variant Classification Criteria 13 December 2019. Collection method: clinical testing. Allele origin: germline.
Comment: This variant was observed in the ICSL laboratory as part of a predisposition screen in an ostensibly healthy population. It had not been previously curated by ICSL or reported in the Human Gene Mutation Database (HGMD: prior to June 1st, 2018), and was therefore a candidate for classification through an automated scoring system. Utilizing variant allele frequency, disease prevalence and penetrance estimates, and inheritance mode, an automated score was calculated to assess if this variant is too frequent to cause the disease. Based on the score and internal cut-off values, a variant classified as benign is not then subjected to further curation. The score for this variant resulted in a classification of benign for this disease.

GeneDx
Classification: Benign. Last evaluated: 2015-03-03. Review status: criteria provided, single submitter. Criteria: GeneDx Variant Classification Process June 2021. Collection method: clinical testing. Allele origin: germline. Affected: yes.

Genetic Services Laboratory, University of Chicago
Classification: Benign. Last evaluated: 2013-02-08. Review status: criteria provided, single submitter. Criteria: ACMG Guidelines, 2007. Collection method: clinical testing. Allele origin: germline. Inheritance: Autosomal recessive inheritance.

Breakthrough Genomics
Classification: Benign. Review status: criteria provided, single submitter. Criteria: ACMG Guidelines, 2015. Collection method: not provided. Allele origin: germline. Inheritance: Autosomal recessive inheritance. Affected: yes.